The following is an entry in ClinVar:

ClinVar aggregate classification (germline): Uncertain significance (1 of 4 stars; one submission).

Conditions:
Adult-onset proximal spinal muscular atrophy, autosomal dominant. Also called: Spinal muscular atrophy, late-onset, finkel type; FINKEL LATE-ADULT TYPE SMA. Identifiers: Orphanet 209335, MedGen C1854058, MONDO:0008453, OMIM 182980.
Amyotrophic lateral sclerosis type 8 (ALS8). Identifiers: Orphanet 803, MedGen C1837728, MONDO:0012077, OMIM 608627.

Submission:

Labcorp Genetics (formerly Invitae), Labcorp
Classification: Uncertain significance for Adult-onset proximal spinal muscular atrophy, autosomal dominant; Amyotrophic lateral sclerosis type 8. Last evaluated: 2025-11-18. Review status: criteria provided, single submitter. Criteria: Invitae Variant Classification Sherloc (09022015). Collection method: clinical testing. Allele origin: germline.
Comment: This sequence change replaces lysine, which is basic and polar, with threonine, which is neutral and polar, at codon 17 of the VAPB protein (p.Lys17Thr). This variant is not present in population databases (gnomAD no frequency). This variant has not been reported in the literature in individuals affected with VAPB-related conditions. Invitae Evidence Modeling of protein sequence and biophysical properties (such as structural, functional, and spatial information, amino acid conservation, physicochemical variation, residue mobility, and thermodynamic stability) indicates that this missense variant is not expected to disrupt VAPB protein function with a negative predictive value of 80%. In summary, the available evidence is currently insufficient to determine the role of this variant in disease. Therefore, it has been classified as a Variant of Uncertain Significance.

NM_004738.5(VAPB):c.50A>C (p.Lys17Thr)

Gene: VAPB (VAMP associated protein B and C; plus strand). Cytogenetic location: 20q13.32.
Variant type: single nucleotide variant.
Coding change: c.50A>C on transcript NM_004738.5 (MANE Select); coding-DNA position 50, A replaced by C.
Protein change: p.Lys17Thr; replaces lysine 17 with threonine.
Molecular consequence: missense variant. On other transcripts: non-coding transcript variant (1).
Genome position (GRCh38, 1-based): chr20:58,389,509, A>C. VCF-style: chr20-58389509-A-C. GRCh37 (hg19) VCF-style: chr20-56964565-A-C.
Other names: c.50A>C, p.Lys17Thr (NM_001195677.2); short protein forms K17T.
Identifiers: ClinVar variation 4793368 (VCV004793368.1).